The following is an entry in ClinVar:

ClinVar aggregate classification (germline): Pathogenic (1 of 4 stars; one submission).

Conditions:
Mucopolysaccharidosis, MPS-II (MPS2). Also called: Hunter Syndrome; IDURONATE 2-SULFATASE DEFICIENCY; Mucopolysaccharidosis Type II; Mucopolysaccharidosis type 2; Attenuated MPS (subtype; formerly known as mild MPS II); Severe MPS II. Identifiers: Orphanet 580, Orphanet 79388, MedGen C0026705, MONDO:0010674, OMIM 309900.

Submission:

Laboratory of Diagnosis and Therapy of Lysosomal Disorders, University of Padova
Classification: Pathogenic for Mucopolysaccharidosis, MPS-II. Last evaluated: 2024-06-07. Review status: criteria provided, single submitter. Criteria: ACMG Guidelines, 2015. Collection method: literature only. Allele origin: germline. Affected: yes. Observed: 1 variant allele.
Comment: Null variant (PVS1_VeryStrong), Absent from controls (or at low frequency) in gnomAD database (PM2_Moderate), Patient’s phenotype or family history highly specific for the disease (PP4_Strong)

Classification method: ACMG Guidelines [PMID:25741868] with modifications

Literature cited by the submitters: PubMed 32775211.

NM_000202.8(IDS):c.166del (p.Asp56fs)

Gene: IDS (iduronate 2-sulfatase; minus strand). Cytogenetic location: Xq28.
Variant type: Deletion.
Coding change: c.166del on transcript NM_000202.8 (MANE Select); coding-DNA position 166, one base deleted (G; older notation c.166delG).
Protein change: p.Asp56fs; shifts the reading frame from aspartic acid 56.
Molecular consequence: frameshift variant. On other transcripts: 5 prime UTR variant (1), non-coding transcript variant (1).
Genome position (GRCh38, 1-based): chrX:149,504,231, C deleted on the plus strand (G on the coding strand, the reverse complement: IDS is on the minus strand); the first of 4 consecutive C bases (chrX:149,504,231-149,504,234); deleting any one gives the same sequence. VCF-style (leftmost placement, unchanged base first): chrX-149504230-TC-T. GRCh37 (hg19) VCF-style: chrX-148585760-TC-T.
Other names: c.-61del (NM_001166550.4); c.166del, p.Asp56fs (NM_006123.5); short protein forms D56fs.
Identifiers: ClinVar variation 3255983 (VCV003255983.2).